The following is an entry in ClinVar:

ClinVar aggregate classification (germline): Likely pathogenic. Review status: criteria provided, multiple submitters, no conflicts (2 of 4 stars). 2 submissions from 2 submitters: Likely pathogenic (2). Last evaluated 2025-03-16.

Conditions:
Autosomal recessive polycystic kidney disease (ARPKD). Also called: AR polycystic kidney disease. Identifiers: Orphanet 731, Orphanet 8378, MedGen C0085548, MeSH D017044, MONDO:0009889.
Polycystic kidney disease 4 (PKD4). Also called: Autosomal Recessive Polycystic Kidney Disease – PKHD1; PKD3; POLYCYSTIC KIDNEY AND HEPATIC DISEASE 1; POLYCYSTIC KIDNEY DISEASE, INFANTILE, TYPE I; POLYCYSTIC KIDNEY DISEASE 4 WITH OR WITHOUT POLYCYSTIC LIVER DISEASE. Identifiers: MedGen C4540575, MONDO:0033004, OMIM 263200.

Submissions (2):

Natera, Inc.
Classification: Likely pathogenic for Autosomal recessive polycystic kidney disease. Last evaluated: 2025-03-16. Review status: criteria provided, single submitter. Criteria: Natera Variant Classification Schema (03/2026). Collection method: clinical testing. Allele origin: germline.
Comment: The c.2592+1G>A variant in PKHD1 is a canonical splice donor site variant predicted to affect pre-mRNA splicing, which may result in an abnormal transcript and altered protein product. This variant is expected to result in nonsense mediated decay, truncation, or a dysfunctional protein product. This variant is rare in the general population with a frequency below the threshold expected for the associated phenotype(s). Given the available evidence, this variant is classified as Likely Pathogenic.

Fulgent Genetics
Classification: Likely pathogenic for Polycystic kidney disease 4. Last evaluated: 2024-05-21. Review status: criteria provided, single submitter. Criteria: ACMG Guidelines, 2015. Collection method: clinical testing. Allele origin: germline.

NM_138694.4(PKHD1):c.2592+1G>A

Gene: PKHD1 (PKHD1 ciliary IPT domain containing fibrocystin/polyductin; minus strand). Cytogenetic location: 6p12.2.
Variant type: single nucleotide variant.
Coding change: c.2592+1G>A on transcript NM_138694.4 (MANE Select); the canonical splice donor site of the intron after coding-DNA position 2592, G replaced by A.
Molecular consequence: splice donor variant.
Genome position (GRCh38, 1-based): chr6:52,046,003, C>T on the plus strand (G>A on the coding strand, the complement: PKHD1 is on the minus strand). VCF-style: chr6-52046003-C-T. GRCh37 (hg19) VCF-style: chr6-51910801-C-T.
Other names: c.2592+1G>A (NM_170724.3, NM_138694.3).
Identifiers: ClinVar variation 3593972 (VCV003593972.2).